The following is an entry in ClinVar:

NM_000059.4(BRCA2):c.6841+3A>T

Gene: BRCA2 (BRCA2 DNA repair associated; plus strand). Cytogenetic location: 13q13.1.
Variant type: single nucleotide variant.
Coding change: c.6841+3A>T on transcript NM_000059.4 (MANE Select); 3 bases into the intron after coding-DNA position 6841, A replaced by T.
Molecular consequence: intron variant.
Genome position (GRCh38, 1-based): chr13:32,341,199, A>T. VCF-style: chr13-32341199-A-T. GRCh37 (hg19) VCF-style: chr13-32915336-A-T.
Other names: IVS11+3A>T.
Identifiers: ClinVar variation 52205 (VCV000052205.8), dbSNP rs81002825, ClinGen allele CA024490.

ClinVar aggregate classification (germline): Uncertain significance. Review status: criteria provided, multiple submitters, no conflicts (2 of 4 stars). 5 submissions from 5 submitters: Uncertain significance (3). 2 of the submissions do not count toward it. Last evaluated 2025-12-09.

Conditions:
Breast cancer, susceptibility to. Identifiers: MedGen C3469522. Disease mechanism: gain of function.
Hereditary cancer-predisposing syndrome. Also called: Neoplastic Syndromes, Hereditary; Tumor predisposition; Hereditary neoplastic syndrome; Hereditary Cancer Syndrome. Identifiers: Orphanet 140162, MedGen C0027672, MeSH D009386, MONDO:0015356.
Breast-ovarian cancer, familial, susceptibility to, 2 (BROVCA2). Also called: BRCA2 Hereditary Breast and Ovarian Cancer. Identifiers: Orphanet 145, MedGen C2675520, MONDO:0012933, OMIM 612555. Disease mechanism: loss of function.

Submissions (5):

Ambry Genetics
Classification: Uncertain significance for Hereditary cancer-predisposing syndrome. Last evaluated: 2025-12-09. Review status: criteria provided, single submitter. Criteria: Ambry Variant Classification Scheme 2023. Collection method: clinical testing. Allele origin: germline.
Comment: The c.6841+3A>T intronic variant results from an A to T substitution 3 nucleotides after coding exon 10 in the BRCA2 gene. This nucleotide position is well conserved in available vertebrate species. In silico splice site analysis predicts that this alteration may weaken the native splice donor site. Based on the available evidence, the clinical significance of this variant remains unclear.

Color Diagnostics, LLC DBA Color Health
Classification: Uncertain significance for Hereditary cancer-predisposing syndrome. Last evaluated: 2025-03-24. Review status: criteria provided, single submitter. Criteria: ACMG Guidelines, 2015. Collection method: clinical testing. Allele origin: germline.
Comment: This variant causes an A to T nucleotide substitution at the +3 position of intron 11 of the BRCA2 gene. A splicing prediction algorithm indicates that this variant could weaken the intron 11 splice donor site (PMID: 30661751). RNA study on one carrier did not find evidence of significantly altered mRNA splicing (ClinVar accession: SCV000611871.1). This variant has been reported as a heterozygous variant in an individual affected with breast cancer with positive family history and a co-segregation LR of 2.58 (PMID: 30374176; ClinVar accession: SCV000611871.1). multifactorial analysis has reported likelihood ratios based on co-occurrence with a pathogenic variant and family history of 1.0246 and 1.1463, respectively (PMID: 31131967). This variant has not been identified in the general population by the Genome Aggregation Database (gnomAD). The available evidence is insufficient to determine the role of this variant in disease conclusively. Therefore, this variant is classified as a Variant of Uncertain Significance.

GeneDx
Classification: Uncertain significance. Last evaluated: 2016-10-06. Review status: criteria provided, single submitter. Criteria: GeneDx Variant Classification (06012015). Collection method: clinical testing. Allele origin: germline. Affected: yes.
Comment: This variant is denoted BRCA2 c.6841+3A>T or IVS11+3A>T and consists of an A>T nucleotide substitution at the +3 position of intron 11 of the BRCA2 gene. Using alternate nomenclature, this variant would be defined as BRCA2 7069+3A>T. Multiple in silico models predict this variant to damage the nearby natural donor site and to possibly cause abnormal gene splicing. However, in the absence of RNA or functional studies, the actual effect of this variant is unknown. This variant has not, to our knowledge, been published in the literature as pathogenic or benign. BRCA2 c.6841+3A>T was not observed in approximately 6,500 individuals of European and African American ancestry in the NHLBI Exome Sequencing Project, suggesting it is not a common benign variant in these populations. The adenine (A) nucleotide that is altered is not conserved across species. Based on currently available information, it is unclear whether BRCA2 c.6841+3A>T is pathogenic or benign. We consider it to be a variant of uncertain significance.

University of Washington Department of Laboratory Medicine, University of Washington
Classification: Likely benign for Breast cancer, susceptibility to. Last evaluated: 2017-03-07. Review status: no assertion criteria provided. Collection method: research. Allele origin: germline. Inheritance: Autosomal dominant inheritance. Affected: yes. Observed: 1 heterozygote. Study: FindMyVariant. Segregation with disease not observed. Not counted in ClinVar's aggregate classification.
Comment: The BRCA2 variant designated as NM_000059.3:c.6841+3A>T is classified as likely benign. The likelihood ratio from cosegregation analysis of one family was 2.6, which is considered weak evidence supporting pathogenicity (Thompson et al, 2003, PMID:12900794). However, splice analysis of this variant indicates that exon 11 skipping occurs in less than 5% of RNA transcripts. Although the results of cosegregation and splice analysis are not concordant, the splice analysis provides strong evidence that the variant has no effect on cancer risk. Overall, the combined results are consistent with a classification of likely benign. This variant is not predicted to alter BRCA2 function or modify cancer risk. A modest (less than 2 fold) increase in cancer risk due to this variant cannot be entirely excluded. This reclassification analysis was performed in conjunction with the family studies project as part of the University of Washington Find My Variant Study.

Breast Cancer Information Core (BIC) (BRCA2)
Classification: Uncertain significance for Breast-ovarian cancer, familial 2. Last evaluated: 2001-02-16. Review status: no assertion criteria provided. Collection method: clinical testing. Allele origin: germline. Affected: yes. Observed: 1 variant allele. Not counted in ClinVar's aggregate classification.

Literature cited by the submitters: PubMed 30374176 (cited by Color Diagnostics, LLC DBA Color Health); PubMed 30661751 (cited by Color Diagnostics, LLC DBA Color Health); PubMed 31131967 (cited by Color Diagnostics, LLC DBA Color Health).